The following is an entry in ClinVar:

NM_006005.3(WFS1):c.1283C>G (p.Pro428Arg)

Gene: WFS1 (wolframin ER transmembrane glycoprotein; plus strand). Cytogenetic location: 4p16.1.
Variant type: single nucleotide variant.
Coding change: c.1283C>G on transcript NM_006005.3 (MANE Select); coding-DNA position 1283, C replaced by G.
Protein change: p.Pro428Arg; replaces proline 428 with arginine.
Molecular consequence: missense variant.
Genome position (GRCh38, 1-based): chr4:6,301,078, C>G. VCF-style: chr4-6301078-C-G. GRCh37 (hg19) VCF-style: chr4-6302805-C-G.
Other names: c.1283C>G, p.Pro428Arg (NM_001145853.1); short protein forms P428R.
Identifiers: ClinVar variation 2203517 (VCV002203517.4), dbSNP rs763561068, ClinGen allele CA356174605.

ClinVar aggregate classification (germline): Pathogenic (1 of 4 stars; one submission).

gnomAD v4.1: 7 of 1,614,114 alleles (0.00043%); highest among the groups gnomAD compares: Non-Finnish European, 0.00059%; no homozygotes.

Submission:

Labcorp Genetics (formerly Invitae), Labcorp
Classification: Pathogenic. Last evaluated: 2024-02-23. Review status: criteria provided, single submitter. Criteria: Invitae Variant Classification Sherloc (09022015). Collection method: clinical testing. Allele origin: germline.
Comment: This sequence change replaces proline, which is neutral and non-polar, with arginine, which is basic and polar, at codon 428 of the WFS1 protein (p.Pro428Arg). This variant is not present in population databases (gnomAD no frequency). This missense change has been observed in individual(s) with clinical features of WFS1-related conditions and/or Wolfram syndrome (PMID: 28432734, 33841295, 34006618). In at least one individual the data is consistent with being in trans (on the opposite chromosome) from a pathogenic variant. ClinVar contains an entry for this variant (Variation ID: 2203517). Advanced modeling of protein sequence and biophysical properties (such as structural, functional, and spatial information, amino acid conservation, physicochemical variation, residue mobility, and thermodynamic stability) performed at Invitae indicates that this missense variant is expected to disrupt WFS1 protein function with a positive predictive value of 95%. For these reasons, this variant has been classified as Pathogenic.

Literature cited by the submitters: PubMed 28432734; PubMed 33841295; PubMed 34006618.